The following is an entry in ClinVar:

NM_022051.3(EGLN1):c.321G>A (p.Ala107=)

Gene: EGLN1 (egl-9 family hypoxia inducible factor 1; minus strand). Cytogenetic location: 1q42.2.
Variant type: single nucleotide variant.
Coding change: c.321G>A on transcript NM_022051.3 (MANE Select); coding-DNA position 321, G replaced by A.
Protein change: p.Ala107=; no amino-acid change (alanine 107 retained).
Molecular consequence: synonymous variant.
Genome position (GRCh38, 1-based): chr1:231,421,568, C>T on the plus strand (G>A on the coding strand, the complement: EGLN1 is on the minus strand). VCF-style: chr1-231421568-C-T. GRCh37 (hg19) VCF-style: chr1-231557314-C-T.
Other names: c.321G>A, p.Ala107= (NM_001377260.1, NM_001377261.1).
Identifiers: ClinVar variation 1133392 (VCV001133392.31), dbSNP rs938944314, ClinGen allele CA38948885.

ClinVar aggregate classification (germline): Likely benign. Review status: criteria provided, multiple submitters, no conflicts (2 of 4 stars). 3 submissions from 3 submitters: Likely benign (3). Last evaluated 2026-02-01.

Conditions:
Erythrocytosis, familial, 3 (ECYT3). Identifiers: Orphanet 247511, MedGen C1853286, MONDO:0012353, OMIM 609820.

Allele frequency attached by ClinVar (database versions not stated): gnomAD exomes 0.00008; gnomAD 0.00002 and 0.00007; TOPMed 0.00003.
gnomAD v4.1: 108 of 1,309,036 alleles (0.0083%); highest among the groups gnomAD compares: South Asian, 0.15%; 1 homozygote.

Submissions (3):

CeGaT Center for Human Genetics Tuebingen
Classification: Likely benign. Last evaluated: 2026-02-01. Review status: criteria provided, single submitter. Criteria: CeGaT Center For Human Genetics Tuebingen Variant Classification Criteria Version 2. Collection method: clinical testing. Allele origin: germline. Affected: yes. Observed: 3 variant alleles.
Comment: EGLN1: BP4, BP7

Labcorp Genetics (formerly Invitae), Labcorp
Classification: Likely benign for Erythrocytosis, familial, 3. Last evaluated: 2025-09-10. Review status: criteria provided, single submitter. Criteria: Invitae Variant Classification Sherloc (09022015). Collection method: clinical testing. Allele origin: germline.

Ambry Genetics
Classification: Likely benign. Last evaluated: 2022-02-15. Review status: criteria provided, single submitter. Criteria: Ambry Variant Classification Scheme 2023. Collection method: clinical testing. Allele origin: germline.